The following is an entry in ClinVar:

NM_000551.4(VHL):c.437C>T (p.Pro146Leu)

Genes: VHL (von Hippel-Lindau tumor suppressor; plus strand), LOC107303340 (3p25 von Hippel-Lindau tumor suppressor, E3 ubiquitin protein ligase Alu-mediated recombination region; plus strand). Cytogenetic location: 3p25.3.
Variant type: single nucleotide variant.
Coding change: c.437C>T on transcript NM_000551.4 (MANE Select); coding-DNA position 437, C replaced by T.
Protein change: p.Pro146Leu; replaces proline 146 with leucine.
Molecular consequence: missense variant. On other transcripts: intron variant (2).
Genome position (GRCh38, 1-based): chr3:10,146,610, C>T. VCF-style: chr3-10146610-C-T. GRCh37 (hg19) VCF-style: chr3-10188294-C-T.
Other names: c.*18-3177C>T (NM_001354723.2); c.341-3177C>T (NM_198156.3); short protein forms P146L.
Identifiers: ClinVar variation 655083 (VCV000655083.9), dbSNP rs1575928079, ClinGen allele CA351754253.
Genomic context (GRCh38, chr3:10,146,610, plus strand): 5'-ATGGGCTTCTGGTTAACCAAACTGAATTATTTGTGCCATCTCTCAATGTTGACGGACAGC[C>T]TATTTTTGCCAATATCACACTGCCAGGTACTGACGTTTTACTTTTTAAAAAGATAAGGTT-3'
Protein context (NP_000542.1, residues 136-156): FVPSLNVDGQ[Pro146Leu]IFANITLPVY

ClinVar aggregate classification (germline): Uncertain significance (1 of 4 stars; one submission).

Conditions:
Chuvash polycythemia. Also called: POLYCYTHEMIA, VHL-DEPENDENT. Identifiers: Orphanet 238557, MedGen C1837915, MONDO:0009892, OMIM 263400.
Von Hippel-Lindau syndrome (VHLS). Also called: von Hippel–Lindau syndrome; VHL syndrome; Von Hippel-Lindau. Identifiers: Orphanet 892, MedGen C0019562, MONDO:0008667, OMIM 193300. Disease mechanism: loss of function.

Submission:

Labcorp Genetics (formerly Invitae), Labcorp
Classification: Uncertain significance for Von Hippel-Lindau syndrome; Chuvash polycythemia. Last evaluated: 2021-07-01. Review status: criteria provided, single submitter. Criteria: Invitae Variant Classification Sherloc (09022015). Collection method: clinical testing. Allele origin: germline.
Comment: In summary, the available evidence is currently insufficient to determine the role of this variant in disease. Therefore, it has been classified as a Variant of Uncertain Significance. Advanced modeling of protein sequence and biophysical properties (such as structural, functional, and spatial information, amino acid conservation, physicochemical variation, residue mobility, and thermodynamic stability) performed at Invitae indicates that this missense variant is expected to disrupt VHL protein function. ClinVar contains an entry for this variant (Variation ID: 655083). This variant has not been reported in the literature in individuals affected with VHL-related conditions. This variant is not present in population databases (ExAC no frequency). This sequence change replaces proline with leucine at codon 146 of the VHL protein (p.Pro146Leu). The proline residue is moderately conserved and there is a moderate physicochemical difference between proline and leucine.